The following is an entry in ClinVar:

ClinVar aggregate classification (germline): Uncertain significance (1 of 4 stars; one submission).

Conditions:
Cardiovascular phenotype. Identifiers: MedGen CN230736.

Allele frequency attached by ClinVar (database versions not stated): gnomAD 0.00001.
gnomAD v4.1: 2 of 1,611,762 alleles (0.00012%); highest among the groups gnomAD compares: African/African-American, 0.0013%; no homozygotes.

Submission:

Ambry Genetics
Classification: Uncertain significance for Cardiovascular phenotype. Last evaluated: 2019-08-29. Review status: criteria provided, single submitter. Criteria: Ambry Variant Classification Scheme 2023. Collection method: clinical testing. Allele origin: germline.
Comment: The p.A12745V variant (also known as c.38234C>T), located in coding exon 139 of the TTN gene, results from a C to T substitution at nucleotide position 38234. The alanine at codon 12745 is replaced by valine, an amino acid with similar properties. This amino acid position is poorly conserved in available vertebrate species. In addition, this alteration is predicted to be tolerated by in silico analysis. Since supporting evidence is limited at this time, the clinical significance of this alteration remains unclear.

NM_001267550.2(TTN):c.65429C>T (p.Ala21810Val)

Genes: TTN (titin; minus strand), TTN-AS1 (TTN antisense RNA 1; plus strand). Cytogenetic location: 2q31.2.
Variant type: single nucleotide variant.
Coding change: c.65429C>T on transcript NM_001267550.2 (MANE Select); coding-DNA position 65429, C replaced by T.
Protein change: p.Ala21810Val; replaces alanine 21810 with valine.
Molecular consequence: missense variant. On other transcripts: non-coding transcript variant (1).
Genome position (GRCh38, 1-based): chr2:178,583,753, G>A on the plus strand (C>T on the coding strand, the complement: TTN is on the minus strand). VCF-style: chr2-178583753-G-A. GRCh37 (hg19) VCF-style: chr2-179448480-G-A.
Other names: c.60506C>T, p.Ala20169Val (NM_001256850.1); c.38234C>T, p.Ala12745Val (NM_003319.4); c.57725C>T, p.Ala19242Val (NM_133378.4); c.38609C>T, p.Ala12870Val (NM_133432.3); c.38810C>T, p.Ala12937Val (NM_133437.4); short protein forms A12937V, A19242V, A12870V, A20169V, A12745V, A21810V.
Identifiers: ClinVar variation 1735283 (VCV001735283.2), dbSNP rs2048304433, ClinGen allele CA349434202.